The following is an entry in ClinVar:

NM_000026.4(ADSL):c.1443A>C (p.Glu481Asp)

Gene: ADSL (adenylosuccinate lyase; plus strand). Cytogenetic location: 22q13.1.
Variant type: single nucleotide variant.
Coding change: c.1443A>C on transcript NM_000026.4 (MANE Select); coding-DNA position 1443, A replaced by C.
Protein change: p.Glu481Asp; replaces glutamic acid 481 with aspartic acid.
Molecular consequence: missense variant. On other transcripts: non-coding transcript variant (1), intron variant (1).
Genome position (GRCh38, 1-based): chr22:40,366,510, A>C. VCF-style: chr22-40366510-A-C. GRCh37 (hg19) VCF-style: chr22-40762514-A-C.
Other names: c.1266A>C, p.Glu422Asp (NM_001123378.3); c.1251A>C, p.Glu417Asp (NM_001317923.2); c.1431+12A>C (NM_001363840.3); short protein forms E417D, E422D, E481D.
Identifiers: ClinVar variation 1057056 (VCV001057056.9), dbSNP rs1424823421, ClinGen allele CA411649488.

ClinVar aggregate classification (germline): Uncertain significance (1 of 4 stars; one submission).

Conditions:
Adenylosuccinate lyase deficiency (ADSLD). Also called: ADSL DEFICIENCY. Identifiers: Orphanet 46, MedGen C0268126, MONDO:0007068, OMIM 103050.

Submission:

Labcorp Genetics (formerly Invitae), Labcorp
Classification: Uncertain significance for Adenylosuccinate lyase deficiency. Last evaluated: 2020-01-30. Review status: criteria provided, single submitter. Criteria: Invitae Variant Classification Sherloc (09022015). Collection method: clinical testing. Allele origin: germline.
Comment: This variant is not present in population databases (ExAC no frequency). This sequence change replaces glutamic acid with aspartic acid at codon 481 of the ADSL protein (p.Glu481Asp). The glutamic acid residue is moderately conserved and there is a small physicochemical difference between glutamic acid and aspartic acid. This variant has not been reported in the literature in individuals with ADSL-related conditions. In summary, the available evidence is currently insufficient to determine the role of this variant in disease. Therefore, it has been classified as a Variant of Uncertain Significance. Algorithms developed to predict the effect of missense changes on protein structure and function (SIFT, PolyPhen-2, Align-GVGD) all suggest that this variant is likely to be tolerated, but these predictions have not been confirmed by published functional studies and their clinical significance is uncertain.